The following is an entry in ClinVar:

NM_000152.5(GAA):c.2297A>G (p.Tyr766Cys)

Gene: GAA (alpha glucosidase; plus strand). Cytogenetic location: 17q25.3.
Variant type: single nucleotide variant.
Coding change: c.2297A>G on transcript NM_000152.5 (MANE Select); coding-DNA position 2297, A replaced by G.
Protein change: p.Tyr766Cys; replaces tyrosine 766 with cysteine.
Molecular consequence: missense variant.
Genome position (GRCh38, 1-based): chr17:80,117,075, A>G. VCF-style: chr17-80117075-A-G. GRCh37 (hg19) VCF-style: chr17-78090874-A-G.
Other names: NM_000152.5(GAA):c.2297A>G; c.2297A>G, p.Tyr766Cys (NM_001079803.3, NM_001079804.3); short protein forms Y766C.
Identifiers: ClinVar variation 285197 (VCV000285197.45), dbSNP rs144016984, ClinGen allele CA8815679.

ClinVar aggregate classification (germline): Pathogenic. Review status: reviewed by expert panel (3 of 4 stars). 16 submissions from 16 submitters: Pathogenic (1). 15 of the submissions do not count toward it. Last evaluated 2024-06-06.

Conditions:
Glycogen storage disease, type II (IOPD). Also called: GLYCOGENOSIS, GENERALIZED, CARDIAC FORM; GSD II; Glucosidase acid-1,4-alpha deficiency; Pompe Disease; CARDIOMEGALIA GLYCOGENICA DIFFUSA; Glycogen storage disease type 2. Identifiers: Orphanet 365, MedGen C0017921, MONDO:0009290, OMIM 232300.

Allele frequency attached by ClinVar (database versions not stated): gnomAD 0.00003; ESP Exome Variant Server 0.00008.
gnomAD v4.1: 17 of 1,613,182 alleles (0.0011%); highest among the groups gnomAD compares: East Asian, 0.0022%; no homozygotes.

Submissions 1 to 7 of 16:

ClinGen Lysosomal Storage Disorder Variant Curation Expert Panel
Classification: Pathogenic for Glycogen storage disease, type II. Last evaluated: 2024-06-06. Review status: reviewed by expert panel. Criteria: clingen_lsd_acmg_specifications_v2-1. Collection method: curation. Allele origin: germline. Inheritance: Autosomal recessive inheritance.
Comment: The NM_000152.5:c.2297A>G variant in GAA is predicted to result in the substitution of tyrosine by cysteine at amino acid 766 (p.Tyr766Cys. At least five patients diagnosed with Pompe disease, all late onset symptoms, have been reported with this variant. Three of these patients have documented laboratory values showing deficiency GAA activity (PMID: 29124014, 35071497, 37087815) (PP4_Moderate). Four patients are compound heterozygous for the variant and another variant that has been classified as pathogenic by the ClinGen LD VCEP, all phase unconfirmed, including c.2481+110_2646+39del (ClinVar Variation ID: 657307) (PMID: 37087815, 0.5 points), c.784G>A (p.Glu262Lys) (ClinVar Variation ID: 188806, SCV002032128.1) (PMID: 35071497, 0.5 points), c.2560C>T (p.Arg854Ter) (ClinVar Variation ID: 4034, SCV001371731.1) (PMID: 30564623, 0.5 points), and c.1309C>T (p.Arg437Cys) (ClinVar Variation ID: 189082, SCV002540662.1) (PMID: 29124014, 0.5 points). Total 2 points (PM3_Strong). Another patient is reported with variant c.2297A>G (p.Tyr765Cys), which presumably is a typo for the amino acid number but cannot be confirmed (PMIDs: 21605996, 22676651). Another individual was identified by newborn screen, compound heterozygous for c.-32-13T>G (PMID: 33073003) but is not yet symptomatic, so was not included. One patient is compound heterozygous for the variant and c.1879_1881delTCC (p.Ser627del) ((PMID: 35071497), The allelic data from this patient will be used in the assessment of p.Ser627del and is not included here to avoid circular logic. The highest population minor allele frequency (MAF) in gnomAD v2.1.1 is 0.00006534 (2/30610 alleles) in the South Asian population. In gnomAD v4.1, the highest MAF is 0.00002227 (1/44894 alleles) in the East Asian population. Both are lower than the ClinGen LD VCEP threshold (<0.001) for PM2_Supporting, meeting this criterion (PM2_Supporting). The computational predictor REVEL gives a score of 0.967 which is above the threshold of 0.7, evidence that correlates with impact to GAA function (PP3). Another amino acid change at the same position, c.2297A>C (p.Tyr766Ser)(ClinVar Variation ID: 420102), has been classified as pathogenic based on the specifications of the ClinGen LD VCEP (PM5). There is a ClinVar entry for this variant (Variation ID: 285197). In summary, this variant meets the criteria to be classified as pathogenic for Pompe disease. GAA-specific ACMG/AMP criteria applied, as specified by the ClinGen Lysosomal Diseases VCEP (Specifications Version 2.0): PM3_Strong, PM5, PP4_Moderate, PP3, PM2_Supporting. (Classification approved by the ClinGen Lysosomal Diseases Variant Curation Expert Panel on June 6, 2024)

Genomenon, Inc
Classification: Likely pathogenic for Glycogen storage disease, type II. Last evaluated: 2026-07-01. Review status: criteria provided, single submitter. Criteria: Genomenon Sequence Variant Interpretation Standards - Updated. Collection method: curation. Allele origin: germline. Affected: yes. Not counted in ClinVar's aggregate classification.
Comment: GAA p.Tyr766Cys (c.2297A>G) is a missense variant that changes the amino acid at codon 766 from Tyrosine to Cysteine. This variant has been observed in at least one proband with a GAA-related disorder in the compound heterozygous and/or homozygous state (PMID:37087815;35071497;33073003;29124014;22676651). It is absent or not present at a significant frequency in gnomAD. In silico models predict that this variant is possibly or probably damaging. In conclusion, we classify GAA p.Tyr766Cys (c.2297A>G) as a likely pathogenic variant.

Women's Health and Genetics/Laboratory Corporation of America, LabCorp
Classification: Pathogenic for Glycogen storage disease, type II. Last evaluated: 2026-01-12. Review status: criteria provided, single submitter. Criteria: LabCorp Variant Classification Summary - May 2015. Collection method: clinical testing. Allele origin: germline. Not counted in ClinVar's aggregate classification.
Comment: Variant summary: GAA c.2297A>G (p.Tyr766Cys) results in a non-conservative amino acid change in the encoded protein sequence. Algorithms developed to predict the effect of missense changes on protein structure and function all suggest that this variant is likely to be disruptive. The variant allele was found at a frequency of 2.4e-05 in 250124 control chromosomes. c.2297A>G has been reported in the literature in individuals affected with Glycogen Storage Disease, Type 2 (Pompe Disease) (e.g. El-Gharbawy_2011, Herzog_2012, Fukuhara_2018, Nallamilli_2018). These data indicate that the variant may be associated with disease. Experimental evidence indicated GAA activity to be <10% in compound heterozygous patients with the variant (El-Gharbawy_2011, Herzog_2012, Fukuhara_2018). A different variant affecting the same codon has been classified as pathogenic by our lab (c.2297A>C, p.Tyr766Ser), supporting the critical relevance of codon 766 to GAA protein function. The following publications have been ascertained in the context of this evaluation (PMID: 21605996, 29124014, 22676651, 30564623). ClinVar contains an entry for this variant (Variation ID: 285197). Based on the evidence outlined above, the variant was classified as pathogenic.

Variantyx, Inc.
Classification: Pathogenic for Glycogen storage disease, type II. Last evaluated: 2025-12-05. Review status: criteria provided, single submitter. Criteria: Variantyx Assertion Criteria 2022. Collection method: clinical testing. Allele origin: germline. Inheritance: Autosomal recessive inheritance. Affected: no. Not counted in ClinVar's aggregate classification.
Comment: This is a nonsynonymous variant in the GAA gene (OMIM: 606800). Pathogenic variants in this gene have been associated with autosomal recessive glycogen storage disease II. This variant has been identified in the homozygous or compound heterozygous state in multiple individuals reported in the published literature (PMID: 21605996, 29124014, 30564623, 38186848, 33301762, 35071497, 33073003)}, (PM3_Strong). The clinical symptoms reported in published individuals are highly specific for autosomal recessive glycogen storage disease II, which has a limited genetic etiology (PMID: 29124014, 35071497) (PP4). Multiple computational algorithms predict a deleterious effect for this variant (REVEL score: 0.967) (PP3), and an alternate amino acid change at this position (p.Tyr766Ser) has been previously reported in similarly affected individuals, which suggests that this residue is biologically important (PMID: 26693141, 21637107, 22521436) (PM5). This variant has a 0.0022% maximum allele frequency in non-founder control populations (PM2). Based on the current evidence, this variant is classified as pathogenic for autosomal recessive glycogen storage disease II.

Labcorp Genetics (formerly Invitae), Labcorp
Classification: Pathogenic for Glycogen storage disease, type II. Last evaluated: 2025-10-27. Review status: criteria provided, single submitter. Criteria: Invitae Variant Classification Sherloc (09022015). Collection method: clinical testing. Allele origin: germline. Not counted in ClinVar's aggregate classification.
Comment: This sequence change replaces tyrosine, which is neutral and polar, with cysteine, which is neutral and slightly polar, at codon 766 of the GAA protein (p.Tyr766Cys). This variant is present in population databases (rs144016984, gnomAD 0.006%). This missense change has been observed in individual(s) with Pompe disease (PMID: 21605996, 22538254, 30564623). ClinVar contains an entry for this variant (Variation ID: 285197). Invitae Evidence Modeling of protein sequence and biophysical properties (such as structural, functional, and spatial information, amino acid conservation, physicochemical variation, residue mobility, and thermodynamic stability) indicates that this missense variant is expected to disrupt GAA protein function with a positive predictive value of 95%. This variant disrupts the p.Tyr766 amino acid residue in GAA. Other variant(s) that disrupt this residue have been observed in individuals with GAA-related conditions (PMID: 22538254, 28394184), which suggests that this may be a clinically significant amino acid residue. For these reasons, this variant has been classified as Pathogenic.

3billion
Classification: Pathogenic for Glycogen storage disease, type II. Last evaluated: 2025-03-07. Review status: criteria provided, single submitter. Criteria: ACMG Guidelines, 2015. Collection method: clinical testing. Allele origin: germline. Affected: yes. Not counted in ClinVar's aggregate classification.
Comment: The variant is observed at an extremely low frequency in the gnomAD v4.1.0 dataset (total allele frequency: 0.001%). Predicted Consequence/Location: Missense variant In silico tool predictions suggest damaging effect of the variant on gene or gene product [REVEL: 0.97 (>=0.6, sensitivity 0.68 and specificity 0.92); 3Cnet: 0.97 (> 0.75, sensitivity 0.96 and precision 0.92)]. The same nucleotide change resulting in the same amino acid change has been previously reported as pathogenic/likely pathogenic with strong evidence (ClinVar ID: VCV000285197). The variant has been reported to be in trans with a pathogenic variant as either compound heterozygous or homozygous in at least one similarly affected unrelated individual (PMID: 35071497). Different missense changes at the same codon (p.Tyr766Asn, p.Tyr766His, p.Tyr766Ser) have been reported as pathogenic/likely pathogenic with strong evidence (ClinVar ID: VCV000420102, VCV001005758, VCV002874367 / PMID: 22538254, 31086307, 35795986). Therefore, this variant is classified as Pathogenic according to the recommendation of ACMG/AMP guideline.

Revvity Omics, Revvity
Classification: Pathogenic. Last evaluated: 2025-02-18. Review status: criteria provided, single submitter. Criteria: ACMG Guidelines, 2015. Collection method: clinical testing. Allele origin: germline. Not counted in ClinVar's aggregate classification.